The following is an entry in ClinVar:

ClinVar aggregate classification (germline): Likely benign (1 of 4 stars; one submission).

Submission:

CeGaT Center for Human Genetics Tuebingen
Classification: Likely benign. Last evaluated: 2025-04-01. Review status: criteria provided, single submitter. Criteria: CeGaT Center For Human Genetics Tuebingen Variant Classification Criteria Version 2. Collection method: clinical testing. Allele origin: germline. Affected: yes. Observed: 1 variant allele.
Comment: XPNPEP2: PM2:Supporting, BP4, BP7

NM_003399.6(XPNPEP2):c.1995C>T (p.Ser665=)

Gene: XPNPEP2 (X-prolyl aminopeptidase 2; plus strand). Cytogenetic location: Xq26.1.
Variant type: single nucleotide variant.
Coding change: c.1995C>T on transcript NM_003399.6 (MANE Select); coding-DNA position 1995, C replaced by T.
Protein change: p.Ser665=; no amino-acid change (serine 665 retained).
Molecular consequence: synonymous variant.
Genome position (GRCh38, 1-based): chrX:129,768,455, C>T. VCF-style: chrX-129768455-C-T. GRCh37 (hg19) VCF-style: chrX-128902431-C-T.
Identifiers: ClinVar variation 3905742 (VCV003905742.10).
Genomic context (GRCh38, chrX:129,768,455, plus strand): 5'-AGAGCCCCTGGCCGCCAGGGCCCCAGACACCGCCTCCTGGGCCTCTGTGTTAGTGGTCTC[C>T]ACCCTTGCCATCCTTGGCTGGAGTGTCTAGAGGCTCCAGACTCTCCTGTTAACCCTCCAT-3'
Protein context (NP_003390.4, residues 655-674): TASWASVLVV[Ser665=]TLAILGWSV